The following is an entry in ClinVar:

NM_006269.2(RP1):c.418C>T (p.His140Tyr)

Gene: RP1 (RP1 axonemal microtubule associated; plus strand). Cytogenetic location: 8q12.1.
Variant type: single nucleotide variant.
Coding change: c.418C>T on transcript NM_006269.2 (MANE Select); coding-DNA position 418, C replaced by T.
Protein change: p.His140Tyr; replaces histidine 140 with tyrosine.
Molecular consequence: missense variant.
Genome position (GRCh38, 1-based): chr8:54,621,384, C>T. VCF-style: chr8-54621384-C-T. GRCh37 (hg19) VCF-style: chr8-55533944-C-T.
Other names: c.418C>T, p.His140Tyr (NM_001375654.1); short protein forms H140Y.
Identifiers: ClinVar variation 1443115 (VCV001443115.9), dbSNP rs2129314357, ClinGen allele CA370986724.
Genomic context (GRCh38, chr8:54,621,384, plus strand): 5'-GCCCGTCGGCGCCCGCGGCCCTGGCTCAGCAGCCGGGCCATTAGCGCGCACTCACCGCCC[C>T]ACCCCGTAGCCGTCGCTGCTCCCGGCATGCCCCGCCCCCCACGGAGCCTAGTGGTCTTCA-3'
Protein context (NP_006260.1, residues 130-150): SRAISAHSPP[His140Tyr]PVAVAAPGMP

ClinVar aggregate classification (germline): Uncertain significance. Review status: criteria provided, multiple submitters, no conflicts (2 of 4 stars). 2 submissions from 2 submitters: Uncertain significance (2). Last evaluated 2023-01-31.

Submissions (2):

Blueprint Genetics
Classification: Uncertain significance. Last evaluated: 2023-01-31. Review status: criteria provided, single submitter. Criteria: ACMG Guidelines, 2015. Collection method: clinical testing. Allele origin: germline.

Labcorp Genetics (formerly Invitae), Labcorp
Classification: Uncertain significance. Last evaluated: 2022-07-05. Review status: criteria provided, single submitter. Criteria: Invitae Variant Classification Sherloc (09022015). Collection method: clinical testing. Allele origin: germline.
Comment: In summary, the available evidence is currently insufficient to determine the role of this variant in disease. Therefore, it has been classified as a Variant of Uncertain Significance. Algorithms developed to predict the effect of missense changes on protein structure and function (SIFT, PolyPhen-2, Align-GVGD) all suggest that this variant is likely to be tolerated. This sequence change replaces histidine, which is basic and polar, with tyrosine, which is neutral and polar, at codon 140 of the RP1 protein (p.His140Tyr). ClinVar contains an entry for this variant (Variation ID: 1443115). This missense change has been observed in individual(s) with clinical features of retinal dystrophy (Invitae). This variant is not present in population databases (gnomAD no frequency).